The following is an entry in ClinVar:

ClinVar aggregate classification (germline): Likely benign (1 of 4 stars; one submission).

Allele frequency attached by ClinVar (database versions not stated): gnomAD exomes below 0.00001.
gnomAD v4.1: 2 of 1,611,528 alleles (0.00012%); highest among the groups gnomAD compares: Admixed American, 0.0017%; no homozygotes.

Submission:

GeneDx
Classification: Likely benign. Last evaluated: 2018-04-05. Review status: criteria provided, single submitter. Criteria: GeneDx Variant Classification (06012015). Collection method: clinical testing. Allele origin: germline. Affected: yes.
Comment: This variant is considered likely benign or benign based on one or more of the following criteria: it is a conservative change, it occurs at a poorly conserved position in the protein, it is predicted to be benign by multiple in silico algorithms, and/or has population frequency not consistent with disease.

NM_001324418.2(ADAM22):c.1321-5C>T

Gene: ADAM22 (ADAM metallopeptidase domain 22; plus strand). Cytogenetic location: 7q21.12.
Variant type: single nucleotide variant.
Coding change: c.1321-5C>T on transcript NM_001324418.2 (MANE Select); 5 bases into the intron before coding-DNA position 1321, C replaced by T.
Molecular consequence: intron variant.
Genome position (GRCh38, 1-based): chr7:88,145,120, C>T. VCF-style: chr7-88145120-C-T. GRCh37 (hg19) VCF-style: chr7-87774435-C-T.
Other names: c.1297-5C>T (NM_001391982.1); c.1321-5C>T (NM_001324420.2, NM_001391976.1, NM_021723.5 and 6 more transcripts); c.1318-5C>T (NM_001324419.2, NM_001391979.1, NM_001391978.1 and 2 more transcripts); c.1372-5C>T (NM_001391975.1, NM_001391980.1).
Identifiers: ClinVar variation 681530 (VCV000681530.1), dbSNP rs1586162868, ClinGen allele CA915945012.
Genomic context (GRCh38, chr7:88,145,120, plus strand): 5'-GGTCTCTCAAAGTCTTTGATGTTGATTTTTCTATATTTTAGTTCACTTTTTGGTTTTCCT[C>T]ACAGCTTCTTGATCCTCCTGAGTGTGGCAATGGCTTCATTGAAACTGGAGAGGAGTGTGA-3'